The following is an entry in ClinVar:

ClinVar aggregate classification (germline): Uncertain significance (1 of 4 stars; one submission).

Conditions:
Malignant hyperthermia, susceptibility to, 1 (MHS1). Also called: RYR1-Related Malignant Hyperthermia Susceptibility; Malignant hyperthermia suceptibility 1; Anesthesia related hyperthermia; Malignant hyperpyrexia; Fulminating hyperpyrexia; Pharmacogenic myopathy. Identifiers: Orphanet 423, MedGen C2930980, MONDO:0007783, OMIM 145600.

Submission:

Color Diagnostics, LLC DBA Color Health
Classification: Uncertain significance for Malignant hyperthermia, susceptibility to, 1. Last evaluated: 2025-06-30. Review status: criteria provided, single submitter. Criteria: ACMG Guidelines, 2015. Collection method: clinical testing. Allele origin: germline.
Comment: This missense variant replaces glycine with arginine at codon 2216 of the RYR1 protein. Computational prediction suggests that this variant may have deleterious impact on protein structure and function. To our knowledge, functional studies have not been reported for this variant. This variant has not been reported in individuals affected with RYR1-related disorders in the literature. This variant has not been identified in the general population by the Genome Aggregation Database (gnomAD). The available evidence is insufficient to determine the role of this variant in disease conclusively. Therefore, this variant is classified as a Variant of Uncertain Significance.

NM_000540.3(RYR1):c.6646G>A (p.Gly2216Arg)

Gene: RYR1 (ryanodine receptor 1; plus strand). Cytogenetic location: 19q13.2.
Variant type: single nucleotide variant.
Coding change: c.6646G>A on transcript NM_000540.3 (MANE Select); coding-DNA position 6646, G replaced by A.
Protein change: p.Gly2216Arg; replaces glycine 2216 with arginine.
Molecular consequence: missense variant.
Genome position (GRCh38, 1-based): chr19:38,496,312, G>A. VCF-style: chr19-38496312-G-A. GRCh37 (hg19) VCF-style: chr19-38986952-G-A.
Other names: c.6646G>A, p.Gly2216Arg (NM_001042723.2); short protein forms G2216R.
Identifiers: ClinVar variation 4757635 (VCV004757635.1).